The following is an entry in ClinVar:

NM_001365951.3(KIF1B):c.3812T>C (p.Val1271Ala)

Gene: KIF1B (kinesin family member 1B; plus strand). Cytogenetic location: 1p36.22.
Variant type: single nucleotide variant.
Coding change: c.3812T>C on transcript NM_001365951.3 (MANE Select); coding-DNA position 3812, T replaced by C.
Protein change: p.Val1271Ala; replaces valine 1271 with alanine.
Molecular consequence: missense variant.
Genome position (GRCh38, 1-based): chr1:10,347,775, T>C. VCF-style: chr1-10347775-T-C. GRCh37 (hg19) VCF-style: chr1-10407833-T-C.
Other names: c.3812T>C, p.Val1271Ala (NM_001365952.1); c.3674T>C, p.Val1225Ala (NM_015074.3); short protein forms V1225A, V1271A.
Identifiers: ClinVar variation 1009756 (VCV001009756.12), dbSNP rs756516917, ClinGen allele CA581888.

ClinVar aggregate classification (germline): Uncertain significance. Review status: criteria provided, multiple submitters, no conflicts (2 of 4 stars). 2 submissions from 2 submitters: Uncertain significance (2). Last evaluated 2025-12-20.

Conditions:
Charcot-Marie-Tooth disease type 2. Also called: Charcot-Marie-Tooth type 2. Identifiers: Orphanet 64746, MedGen C0270914, MONDO:0018993.

Allele frequency attached by ClinVar (database versions not stated): TOPMed below 0.00001; ExAC 0.00001; gnomAD exomes below 0.00001.
gnomAD v4.1: 6 of 1,613,262 alleles (0.00037%); highest among the groups gnomAD compares: South Asian, 0.0066%; no homozygotes.

Submissions (2):

Ambry Genetics
Classification: Uncertain significance. Last evaluated: 2025-12-20. Review status: criteria provided, single submitter. Criteria: Ambry Variant Classification Scheme 2023. Collection method: clinical testing. Allele origin: germline.
Comment: The p.V1225A variant (also known as c.3674T>C), located in coding exon 33 of the KIF1B gene, results from a T to C substitution at nucleotide position 3674. The valine at codon 1225 is replaced by alanine, an amino acid with similar properties. This amino acid position is not well conserved in available vertebrate species. In addition, the in silico prediction for this alteration is inconclusive. Since supporting evidence is limited at this time, the clinical significance of this alteration remains unclear.

Labcorp Genetics (formerly Invitae), Labcorp
Classification: Uncertain significance for Charcot-Marie-Tooth disease type 2. Last evaluated: 2025-08-28. Review status: criteria provided, single submitter. Criteria: Invitae Variant Classification Sherloc (09022015). Collection method: clinical testing. Allele origin: germline.
Comment: This sequence change replaces valine, which is neutral and non-polar, with alanine, which is neutral and non-polar, at codon 1225 of the KIF1B protein (p.Val1225Ala). This variant is present in population databases (rs756516917, gnomAD 0.003%). This variant has not been reported in the literature in individuals affected with KIF1B-related conditions. ClinVar contains an entry for this variant (Variation ID: 1009756). An algorithm developed to predict the effect of missense changes on protein structure and function (PolyPhen-2) suggests that this variant is likely to be tolerated. In summary, the available evidence is currently insufficient to determine the role of this variant in disease. Therefore, it has been classified as a Variant of Uncertain Significance.